The following is an entry in ClinVar:

NM_001367721.1(CASK):c.1807-1G>T

Gene: CASK (calcium/calmodulin dependent serine protein kinase; minus strand). Cytogenetic location: Xp11.4.
Variant type: single nucleotide variant.
Coding change: c.1807-1G>T on transcript NM_001367721.1 (MANE Select); the canonical splice acceptor site of the intron before coding-DNA position 1807, G replaced by T.
Molecular consequence: splice acceptor variant.
Genome position (GRCh38, 1-based): chrX:41,555,636, C>A on the plus strand (G>T on the coding strand, the complement: CASK is on the minus strand). VCF-style: chrX-41555636-C-A. GRCh37 (hg19) VCF-style: chrX-41414889-C-A.
Other names: NC_000023.10:g.41414889C>A; c.1720-1G>T (NM_001126055.3); c.1789-1G>T (NM_001410745.1); c.1738-1G>T (NM_001126054.3); c.1807-1G>T (NM_003688.4).
Identifiers: ClinVar variation 4489342 (VCV004489342.2).
Genomic context (GRCh38, chrX:41,555,636, plus strand): 5'-TTTCTATAGAGGATATCTATTCACCTGTCGTCCTTTTGGTTGGGTAGTTGATGGCAAGTC[C>A]TGTAGAATAAAGCCAACCCAGGAGAAAAATTTTCATTTATTTTTCAAGAGTACAAAGTAA-3'

ClinVar aggregate classification (germline): Likely pathogenic (1 of 4 stars; one submission).

Submissions (2):

GeneDx
Classification: Likely pathogenic. Last evaluated: 2025-05-09. Review status: criteria provided, single submitter. Criteria: GeneDx Variant Classification Process June 2021. Collection method: clinical testing. Allele origin: germline. Affected: yes.
Comment: Canonical splice site variant predicted to result in an in-frame loss of the adjacent exon in a gene for which loss of function is a known mechanism of disease; Deletions involving coding exons of this gene are a known mechanism of disease (HGMD; other references); Not observed at significant frequency in large population cohorts (gnomAD); Has not been previously published as pathogenic or benign to our knowledge

Dr. Peter K. Rogan Lab, Western University
No classification provided (evidence only). Condition: Thyroid cancer, nonmedullary, 1. Review status: no classification provided. Collection method: in vitro. Allele origin: not applicable. Functional consequence: skipped exon. Not counted in ClinVar's aggregate classification.